The following is an entry in ClinVar:

NM_001563.4(IMPG1):c.1567_1574delinsTTTTGTTGACATTTGTTGACATTTGTTGACATGAAATGTTTTGTTGTCAGGAGA (p.Asp523_Ser525delinsPheCysTer)

Gene: IMPG1 (interphotoreceptor matrix proteoglycan 1; minus strand). Cytogenetic location: 6q14.1.
Variant type: Indel.
Coding change: c.1567_1574delinsTTTTGTTGACATTTGTTGACATTTGTTGACATGAAATGTTTTGTTGTCAGGAGA on transcript NM_001563.4 (MANE Select); coding-DNA positions 1567 to 1574, the reference bases replaced by an inserted sequence.
Protein change: p.Asp523_Ser525delinsPheCysTer.
Molecular consequence: nonsense.
Genome position (GRCh38, 1-based): chr6:75,950,812-75,950,819, 8 bases replaced. GRCh37 (hg19): chr6:76,660,529-76,660,536.
Other names: c.1333_1340delinsTTTTGTTGACATTTGTTGACATTTGTTGACATGAAATGTTTTGTTGTCAGGAGA, p.Asp445_Ser447delinsPheCysTer (NM_001282368.2).
Identifiers: ClinVar variation 2130390 (VCV002130390.4), dbSNP rs2535897640, ClinGen allele CA2580075862.

ClinVar aggregate classification (germline): Pathogenic (1 of 4 stars; one submission).

Submission:

Labcorp Genetics (formerly Invitae), Labcorp
Classification: Pathogenic. Last evaluated: 2025-03-17. Review status: criteria provided, single submitter. Criteria: Invitae Variant Classification Sherloc (09022015). Collection method: clinical testing. Allele origin: germline.
Comment: This sequence change creates a premature translational stop signal (p.Asp523Phefs*3) in the IMPG1 gene. It is expected to result in an absent or disrupted protein product. Loss-of-function variants in IMPG1 are known to be pathogenic (PMID: 23993198). This variant is not present in population databases (gnomAD no frequency). This variant has not been reported in the literature in individuals affected with IMPG1-related conditions. ClinVar contains an entry for this variant (Variation ID: 2130390). For these reasons, this variant has been classified as Pathogenic.

Literature cited by the submitters: PubMed 23993198.